The following is an entry in ClinVar:

ClinVar aggregate classification (germline): Likely benign. Review status: criteria provided, multiple submitters, no conflicts (2 of 4 stars). 4 submissions from 4 submitters: Likely benign (4). Last evaluated 2026-08-01.

Conditions:
Cardiovascular phenotype. Identifiers: MedGen CN230736.

Allele frequency attached by ClinVar (database versions not stated): gnomAD 0.00004; TOPMed 0.00005; gnomAD exomes 0.00007; ExAC 0.00014.
gnomAD v4.1: 110 of 1,613,800 alleles (0.0068%); highest among the groups gnomAD compares: East Asian, 0.18%; no homozygotes.

Submissions (4):

CeGaT Center for Human Genetics Tuebingen
Classification: Likely benign. Last evaluated: 2026-08-01. Review status: criteria provided, single submitter. Criteria: CeGaT Center For Human Genetics Tuebingen Variant Classification Criteria Version 2. Collection method: clinical testing. Allele origin: germline. Affected: yes. Observed: 1 variant allele.
Comment: TNXB: BP4, BP7

Women's Health and Genetics/Laboratory Corporation of America, LabCorp
Classification: Likely benign. Last evaluated: 2026-04-15. Review status: criteria provided, single submitter. Criteria: LabCorp Variant Classification Summary - May 2015. Collection method: clinical testing. Allele origin: germline.

Labcorp Genetics (formerly Invitae), Labcorp
Classification: Likely benign. Last evaluated: 2026-01-18. Review status: criteria provided, single submitter. Criteria: Invitae Variant Classification Sherloc (09022015). Collection method: clinical testing. Allele origin: germline.

Ambry Genetics
Classification: Likely benign for Cardiovascular phenotype. Last evaluated: 2021-08-10. Review status: criteria provided, single submitter. Criteria: Ambry Variant Classification Scheme 2023. Collection method: clinical testing. Allele origin: germline.

NM_001365276.2(TNXB):c.4278C>T (p.Thr1426=)

Gene: TNXB (tenascin XB; minus strand). Cytogenetic location: 6p21.33.
Variant type: single nucleotide variant.
Coding change: c.4278C>T on transcript NM_001365276.2 (MANE Select); coding-DNA position 4278, C replaced by T.
Protein change: p.Thr1426=; no amino-acid change (threonine 1426 retained).
Molecular consequence: synonymous variant.
Genome position (GRCh38, 1-based): chr6:32,079,130, G>A on the plus strand (C>T on the coding strand, the complement: TNXB is on the minus strand). VCF-style: chr6-32079130-G-A. GRCh37 (hg19) VCF-style: chr6-32046907-G-A.
Other names: c.4278C>T, p.Thr1426= (NM_019105.8).
Identifiers: ClinVar variation 1739307 (VCV001739307.5), dbSNP rs375254727, ClinGen allele CA3734992.